The following is an entry in ClinVar:

NM_016239.4(MYO15A):c.9985G>A (p.Val3329Met)

Gene: MYO15A (myosin XVA; plus strand). Cytogenetic location: 17p11.2.
Variant type: single nucleotide variant.
Coding change: c.9985G>A on transcript NM_016239.4 (MANE Select); coding-DNA position 9985, G replaced by A.
Protein change: p.Val3329Met; replaces valine 3329 with methionine.
Molecular consequence: missense variant.
Genome position (GRCh38, 1-based): chr17:18,167,626, G>A. VCF-style: chr17-18167626-G-A. GRCh37 (hg19) VCF-style: chr17-18070940-G-A.
Other names: short protein forms V3329M.
Identifiers: ClinVar variation 805068 (VCV000805068.3), dbSNP rs1597820494, ClinGen allele CA398642798.

ClinVar aggregate classification (germline): Uncertain significance. Review status: criteria provided, multiple submitters, no conflicts (2 of 4 stars). 3 submissions from 3 submitters: Uncertain significance (3). Last evaluated 2025-05-16.

Conditions:
Inborn genetic diseases. Identifiers: MedGen C0950123, MeSH D030342.

Submissions (3):

Ambry Genetics
Classification: Uncertain significance for Inborn genetic diseases. Last evaluated: 2025-05-16. Review status: criteria provided, single submitter. Criteria: Ambry Variant Classification Scheme 2023. Collection method: clinical testing. Allele origin: germline.

GeneDx
Classification: Uncertain significance. Last evaluated: 2025-03-23. Review status: criteria provided, single submitter. Criteria: GeneDx Variant Classification Process June 2021. Collection method: clinical testing. Allele origin: germline. Affected: yes.
Comment: Not observed at significant frequency in large population cohorts (gnomAD); In silico analysis indicates that this missense variant does not alter protein structure/function; Has not been previously published as pathogenic or benign to our knowledge

Athena Diagnostics
Classification: Uncertain significance. Last evaluated: 2019-03-19. Review status: criteria provided, single submitter. Criteria: Athena Diagnostics Criteria. Collection method: clinical testing. Allele origin: germline.